The following is an entry in ClinVar:

NM_002691.4(POLD1):c.2763C>A (p.Arg921=)

Gene: POLD1 (DNA polymerase delta 1, catalytic subunit; plus strand). Cytogenetic location: 19q13.33.
Variant type: single nucleotide variant.
Coding change: c.2763C>A on transcript NM_002691.4 (MANE Select); coding-DNA position 2763, C replaced by A.
Protein change: p.Arg921=; no amino-acid change (arginine 921 retained).
Molecular consequence: synonymous variant.
Genome position (GRCh38, 1-based): chr19:50,415,769, C>A. VCF-style: chr19-50415769-C-A. GRCh37 (hg19) VCF-style: chr19-50919026-C-A.
Other names: c.2763C>A, p.Arg921= (NM_001256849.1, LRG_785t1); c.2841C>A, p.Arg947= (NM_001308632.1, LRG_785t2).
Identifiers: ClinVar variation 384469 (VCV000384469.3), dbSNP rs139299266, ClinGen allele CA9596653.

ClinVar aggregate classification (germline): Likely benign. Review status: criteria provided, multiple submitters, no conflicts (2 of 4 stars). 2 submissions from 2 submitters: Likely benign (2). Last evaluated 2019-08-09.

Conditions:
Hereditary cancer-predisposing syndrome. Also called: Hereditary Cancer Syndrome; Hereditary neoplastic syndrome; Neoplastic Syndromes, Hereditary; Tumor predisposition. Identifiers: Orphanet 140162, MedGen C0027672, MeSH D009386, MONDO:0015356.

gnomAD v4.1: 1 of 1,571,068 alleles (0.000064%); no homozygotes.

Submissions (2):

Ambry Genetics
Classification: Likely benign for Hereditary cancer-predisposing syndrome. Last evaluated: 2019-08-09. Review status: criteria provided, single submitter. Criteria: Ambry Variant Classification Scheme 2023. Collection method: clinical testing. Allele origin: germline.

GeneDx
Classification: Likely benign. Last evaluated: 2016-06-17. Review status: criteria provided, single submitter. Criteria: GeneDx Variant Classification (06012015). Collection method: clinical testing. Allele origin: germline. Affected: yes.
Comment: This variant is considered likely benign or benign based on one or more of the following criteria: it is a conservative change, it occurs at a poorly conserved position in the protein, it is predicted to be benign by multiple in silico algorithms, and/or has population frequency not consistent with disease.